The following is an entry in ClinVar:

NM_001205293.3(CACNA1E):c.2770C>T (p.Arg924Cys)

Gene: CACNA1E (calcium voltage-gated channel subunit alpha1 E; plus strand). Cytogenetic location: 1q25.3.
Variant type: single nucleotide variant.
Coding change: c.2770C>T on transcript NM_001205293.3 (MANE Select); coding-DNA position 2770, C replaced by T.
Protein change: p.Arg924Cys; replaces arginine 924 with cysteine.
Molecular consequence: missense variant.
Genome position (GRCh38, 1-based): chr1:181,732,856, C>T. VCF-style: chr1-181732856-C-T. GRCh37 (hg19) VCF-style: chr1-181701992-C-T.
Other names: c.2770C>T, p.Arg924Cys (NM_000721.4); c.2713C>T, p.Arg905Cys (NM_001205294.2); c.2770C>T (NM_000721.3); short protein forms R924C, R905C.
Identifiers: ClinVar variation 1413806 (VCV001413806.9), dbSNP rs757890592, ClinGen allele CA1275400.

ClinVar aggregate classification (germline): Conflicting classifications of pathogenicity. Review status: criteria provided, conflicting classifications (1 of 4 stars). 2 submissions from 2 submitters: Uncertain significance (1); Likely benign (1). Last evaluated 2025-10-26.

Allele frequency attached by ClinVar (database versions not stated): ExAC 0.00002; gnomAD exomes 0.00002 and 0.00003; gnomAD 0.00004; TOPMed 0.00004.
gnomAD v4.1: 40 of 1,613,722 alleles (0.0025%); highest among the groups gnomAD compares: Admixed American, 0.0067%; no homozygotes.

Submissions (2):

Labcorp Genetics (formerly Invitae), Labcorp
Classification: Likely benign. Last evaluated: 2025-10-26. Review status: criteria provided, single submitter. Criteria: Invitae Variant Classification Sherloc (09022015). Collection method: clinical testing. Allele origin: germline.

GeneDx
Classification: Uncertain significance. Last evaluated: 2024-12-04. Review status: criteria provided, single submitter. Criteria: GeneDx Variant Classification Process June 2021. Collection method: clinical testing. Allele origin: germline. Affected: yes.
Comment: In silico analysis supports that this missense variant has a deleterious effect on protein structure/function; Has not been previously published as pathogenic or benign to our knowledge